The following is an entry in ClinVar:

NM_001166114.2(PNPLA6):c.1213C>T (p.Leu405=)

Gene: PNPLA6 (patatin like domain 6, lysophospholipase; plus strand). Cytogenetic location: 19p13.2.
Variant type: single nucleotide variant.
Coding change: c.1213C>T on transcript NM_001166114.2 (MANE Select); coding-DNA position 1213, C replaced by T.
Protein change: p.Leu405=; no amino-acid change (leucine 405 retained).
Molecular consequence: synonymous variant.
Genome position (GRCh38, 1-based): chr19:7,542,028, C>T. VCF-style: chr19-7542028-C-T. GRCh37 (hg19) VCF-style: chr19-7606914-C-T.
Other names: c.1240C>T, p.Leu414= (NM_001166111.2); c.1096C>T, p.Leu366= (NM_001166112.2, NM_001166113.1, NM_006702.5); c.1240C>T (NM_001166111.1).
Identifiers: ClinVar variation 1087364 (VCV001087364.11), dbSNP rs900654242, ClinGen allele CA304864877.
Genomic context (GRCh38, chr19:7,542,028, plus strand): 5'-CATGTGTCTCCCCCAGGGGACCCTGTGAAGCCCACATCCCTGGAAACCCCCTCGGCCCCT[C>T]TGCTGAGCCGCTGCGTCTCCATGCCAGGGGACATCTCAGGTTTGGAGCACTGGGTCTGCG-3'
Protein context (NP_001159586.1, residues 395-415): PTSLETPSAP[Leu405=]LSRCVSMPGD

ClinVar aggregate classification (germline): Likely benign. Review status: criteria provided, multiple submitters, no conflicts (2 of 4 stars). 3 submissions from 3 submitters: Likely benign (3). Last evaluated 2026-09-15.

Conditions:
PNPLA6-related disorder. Also called: PNPLA6-related condition; PNPLA6-related disorders.
Hereditary spastic paraplegia 39 (SPG39). Also called: SPASTIC PARAPLEGIA 39, AUTOSOMAL RECESSIVE; Spastic Paraplegia Type 39 (SPG39). Identifiers: Orphanet 139480, MedGen C2677586, MONDO:0012787, OMIM 612020.

Allele frequency attached by ClinVar (database versions not stated): gnomAD 0.00001; gnomAD exomes 0.00001 and 0.00002; TOPMed 0.00003.

Submissions (3):

PreventionGenetics, part of Exact Sciences
Classification: Likely benign for PNPLA6-related condition. Last evaluated: 2026-09-15. Review status: criteria provided, single submitter. Criteria: ACMG Guidelines, 2015. Collection method: clinical testing. Allele origin: germline.
Comment: This variant is classified as likely benign based on ACMG/AMP sequence variant interpretation guidelines (Richards et al. 2015 PMID: 25741868, with internal and published modifications).

Blueprint Genetics
Classification: Likely benign. Last evaluated: 2024-11-20. Review status: criteria provided, single submitter. Criteria: ACMG Guidelines, 2015. Collection method: clinical testing. Allele origin: germline.

Labcorp Genetics (formerly Invitae), Labcorp
Classification: Likely benign for Hereditary spastic paraplegia 39. Last evaluated: 2024-11-16. Review status: criteria provided, single submitter. Criteria: Invitae Variant Classification Sherloc (09022015). Collection method: clinical testing. Allele origin: germline.